The following is an entry in ClinVar:

GRCh38/hg38 9p24.3-21.3(chr9:204193-22086858)x3

Genes: LURAP1L (leucine rich adaptor protein 1 like; plus strand), LURAP1L-AS1 (LURAP1L antisense RNA 1; minus strand), MAHAC (maintenance of histone H4K5 acetylation associated lncRNA; plus strand), MIR101-2 (microRNA 101-2; plus strand), MIR31 (microRNA 31; minus strand) and 411 more. Cytogenetic location: 9p24.3-21.3.
Variant type: copy number gain.
Change: copy number 3 (three copies instead of two) of chr9:204,193-22,086,858 (21.88 Mb, GRCh38 coordinates, 1-based), cytogenetic band 9p24.3-21.3.
Identifiers: ClinVar variation 59836 (VCV000059836.1).

ClinVar aggregate classification (germline): Pathogenic (1 of 4 stars; one submission).

Submission:

ISCA site 4
Classification: Pathogenic. Last evaluated: 2011-08-12. Review status: criteria provided, single submitter. Criteria: Kaminsky et al. (Genet Med. 2011). Collection method: clinical testing. Allele origin: unknown. Affected: yes. Observed: 1 variant allele.
Comment: Copy number variation identified through the course of routine clinical cytogenomic testing in postnatal populations. Clinical assertions have been curated as described in Kaminsky et al. 2011.